The following is an entry in ClinVar:

ClinVar aggregate classification (germline): Uncertain significance (1 of 4 stars; one submission).

Submission:

Labcorp Genetics (formerly Invitae), Labcorp
Classification: Uncertain significance. Last evaluated: 2023-10-15. Review status: criteria provided, single submitter. Criteria: Invitae Variant Classification Sherloc (09022015). Collection method: clinical testing. Allele origin: germline.
Comment: This sequence change falls in intron 20 of the SIN3A gene. It does not directly change the encoded amino acid sequence of the SIN3A protein. Information on the frequency of this variant in the gnomAD database is not available, as this variant may be reported differently in the database. This variant has not been reported in the literature in individuals affected with SIN3A-related conditions. In summary, the available evidence is currently insufficient to determine the role of this variant in disease. Therefore, it has been classified as a Variant of Uncertain Significance.

NM_001145358.2(SIN3A):c.3592-21_3592-19inv

Gene: SIN3A (SIN3 transcription regulator family member A; minus strand). Cytogenetic location: 15q24.2.
Variant type: Inversion.
Coding change: c.3592-21_3592-19inv on transcript NM_001145358.2 (MANE Select).
Molecular consequence: intron variant.
Genome position: GRCh38 VCF-style: chr15-75372228-AAA-TTT. GRCh37 (hg19) VCF-style: chr15-75664569-AAA-TTT.
Other names: c.3592-21_3592-19inv (NM_001145357.2, NM_015477.3).
Identifiers: ClinVar variation 2969665 (VCV002969665.3), ClinGen allele CA2740096738.